The following is an entry in ClinVar:

NM_032999.4(GTF2I):c.2715= (p.Val905=)

Genes: GTF2I (general transcription factor IIi; plus strand), LOC106029312 (Williams-Beuren syndrome medial block B recombination region; plus strand). Cytogenetic location: 7q11.23.
Variant type: Variation.
Coding change: c.2715= on transcript NM_032999.4 (MANE Select); coding-DNA position 2715, no change from the reference sequence.
Protein change: p.Val905=; no amino-acid change (valine 905 retained).
Molecular consequence: no sequence alteration.
Genome position: GRCh38 VCF-style: chr7-74753919-A-A. GRCh37 (hg19) VCF-style: chr7-74168251-G-A.
Other names: c.2655=, p.Val885= (NM_033000.4); c.2652=, p.Val884= (NM_033001.4); c.2649=, p.Val883= (NM_001163636.3); c.2592=, p.Val864= (NM_001518.5).
Identifiers: ClinVar variation 5039084 (VCV005039084.1).
Genomic context (GRCh38, chr7:74,753,919, plus strand): 5'-TATGGGTTTTCCTGTGAAAGTTCCCTACAGGAAAATCACAATTAACCCTGGCTGTGTGGT[A=]GTTGATGGCATGCCCCCGGGGGTGTCCTTCAAAGCCCCCAGCTACCTGGAAATCAGCTCC-3'
Protein context (NP_127492.1, residues 895-915): RKITINPGCV[Val905=]VDGMPPGVSF

ClinVar aggregate classification (germline): Likely benign (1 of 4 stars; one submission).

Submission:

CeGaT Center for Human Genetics Tuebingen
Classification: Likely benign. Last evaluated: 2026-08-01. Review status: criteria provided, single submitter. Criteria: CeGaT Center For Human Genetics Tuebingen Variant Classification Criteria Version 2. Collection method: clinical testing. Allele origin: germline. Affected: yes. Observed: 1 variant allele.
Comment: GTF2I: BP4, BP7